The following is an entry in ClinVar:

NM_000123.4(ERCC5):c.2332del (p.Leu778fs)

Genes: BIVM-ERCC5 (BIVM-ERCC5 readthrough; plus strand), ERCC5 (ERCC excision repair 5, endonuclease; plus strand), LOC126861834 (BRD4-independent group 4 enhancer GRCh37_chr13:103518038-103519237; plus strand). Cytogenetic location: 13q33.1.
Variant type: Deletion.
Coding change: c.2332del on transcript NM_000123.4 (MANE Select); coding-DNA position 2332, one base deleted (C; older notation c.2332delC).
Protein change: p.Leu778fs; shifts the reading frame from leucine 778.
Molecular consequence: frameshift variant.
Genome position (GRCh38, 1-based): chr13:102,866,644, C deleted; the last of 2 consecutive C bases (chr13:102,866,643-102,866,644); deleting either gives the same sequence. VCF-style (leftmost placement, unchanged base first): chr13-102866642-GC-G. GRCh37 (hg19) VCF-style: chr13-103518992-GC-G.
Other names: c.3694del, p.Leu1232fs (NM_001204425.2); short protein forms L1232fs, L778fs.
Identifiers: ClinVar variation 1069189 (VCV001069189.7), dbSNP rs755595128, ClinGen allele CA7041616.

ClinVar aggregate classification (germline): Pathogenic (1 of 4 stars; one submission).

Submission:

Labcorp Genetics (formerly Invitae), Labcorp
Classification: Pathogenic. Last evaluated: 2017-08-18. Review status: criteria provided, single submitter. Criteria: Invitae Variant Classification Sherloc (09022015). Collection method: clinical testing. Allele origin: germline.
Comment: This sequence change creates a premature translational stop signal (p.Leu778Cysfs*22) in the ERCC5 gene. It is expected to result in an absent or disrupted protein product. This variant is present in population databases (rs755595128, ExAC 0.01%). This variant has not been reported in the literature in individuals with ERCC5-related disease. Loss-of-function variants in ERCC5 are known to be pathogenic (PMID: 11841555, 12060391, 23370536, 24700531). For these reasons, this variant has been classified as Pathogenic.

Literature cited by the submitters: PubMed 11841555; PubMed 12060391; PubMed 23370536; PubMed 24700531.